The following is an entry in ClinVar:

NM_152701.5(ABCA13):c.7496C>G (p.Ser2499Cys)

Gene: ABCA13 (ATP binding cassette subfamily A member 13; plus strand). Cytogenetic location: 7p12.3.
Variant type: single nucleotide variant.
Coding change: c.7496C>G on transcript NM_152701.5 (MANE Select); coding-DNA position 7496, C replaced by G.
Protein change: p.Ser2499Cys; replaces serine 2499 with cysteine.
Molecular consequence: missense variant.
Genome position (GRCh38, 1-based): chr7:48,278,690, C>G. VCF-style: chr7-48278690-C-G. GRCh37 (hg19) VCF-style: chr7-48318287-C-G.
Other names: NC_000007.13:g.48318287C>G; c.7496C>G (NM_152701.3); short protein forms S2499C.
Identifiers: ClinVar variation 2657476 (VCV002657476.26), dbSNP rs376510526, ClinGen allele CA4257533.
Genomic context (GRCh38, chr7:48,278,690, plus strand): 5'-TTGGTGCTATTTCAAGAGCAAGTGAAGAAAGTCACGTCCTGAAACCCCTCTTAGAAATGT[C>G]TGGGACTCTGGTCATGCTGTTGAATGACAGTGCTGACCTGAGAGATCTTGCCACATCAAT-3'
Protein context (NP_689914.3, residues 2489-2509): SHVLKPLLEM[Ser2499Cys]GTLVMLLNDS

ClinVar aggregate classification (germline): Conflicting classifications of pathogenicity. Review status: criteria provided, conflicting classifications (1 of 4 stars). 2 submissions from 2 submitters: Uncertain significance (1); Likely benign (1). Last evaluated 2024-05-02.

Allele frequency attached by ClinVar (database versions not stated): ESP Exome Variant Server 0.00008; gnomAD exomes 0.00013; gnomAD 0.00004; TOPMed 0.00005; ExAC 0.00007.
gnomAD v4.1: 199 of 1,613,784 alleles (0.012%); highest among the groups gnomAD compares: Middle Eastern, 0.2%; no homozygotes.

Submissions (3):

Ambry Genetics
Classification: Uncertain significance. Last evaluated: 2024-05-02. Review status: criteria provided, single submitter. Criteria: Ambry Variant Classification Scheme 2023. Collection method: clinical testing. Allele origin: germline.

CeGaT Center for Human Genetics Tuebingen
Classification: Likely benign. Last evaluated: 2023-01-01. Review status: criteria provided, single submitter. Criteria: CeGaT Center For Human Genetics Tuebingen Variant Classification Criteria Version 2. Collection method: clinical testing. Allele origin: germline. Affected: yes. Observed: 1 variant allele.
Comment: ABCA13: BP4

Dr. Peter K. Rogan Lab, Western University
No classification provided (evidence only). Condition: Thyroid cancer, nonmedullary, 1. Review status: no classification provided. Collection method: in vitro. Allele origin: not applicable. Functional consequence: retained intron. Not counted in ClinVar's aggregate classification.